The following is an entry in ClinVar:

ClinVar aggregate classification (germline): Uncertain significance. Review status: criteria provided, multiple submitters, no conflicts (2 of 4 stars). 2 submissions from 2 submitters: Uncertain significance (2). Last evaluated 2025-06-24.

Allele frequency attached by ClinVar (database versions not stated): gnomAD 0.00002; gnomAD exomes 0.00006 and 0.00008; ExAC 0.00011; ESP Exome Variant Server 0.00016.
gnomAD v4.1: 88 of 1,614,072 alleles (0.0055%); highest among the groups gnomAD compares: Non-Finnish European, 0.0066%; no homozygotes.

Submissions (2):

Labcorp Genetics (formerly Invitae), Labcorp
Classification: Uncertain significance. Last evaluated: 2025-06-24. Review status: criteria provided, single submitter. Criteria: Invitae Variant Classification Sherloc (09022015). Collection method: clinical testing. Allele origin: germline.
Comment: This sequence change replaces arginine, which is basic and polar, with tryptophan, which is neutral and slightly polar, at codon 555 of the RNF31 protein (p.Arg555Trp). This variant is present in population databases (rs368164854, gnomAD 0.01%). This variant has not been reported in the literature in individuals affected with RNF31-related conditions. ClinVar contains an entry for this variant (Variation ID: 1371466). An algorithm developed to predict the effect of missense changes on protein structure and function (PolyPhen-2) suggests that this variant is likely to be disruptive. In summary, the available evidence is currently insufficient to determine the role of this variant in disease. Therefore, it has been classified as a Variant of Uncertain Significance.

Ambry Genetics
Classification: Uncertain significance. Last evaluated: 2025-03-07. Review status: criteria provided, single submitter. Criteria: Ambry Variant Classification Scheme 2023. Collection method: clinical testing. Allele origin: germline.

NM_017999.5(RNF31):c.1663C>T (p.Arg555Trp)

Gene: RNF31 (ring finger protein 31; plus strand). Cytogenetic location: 14q12.
Variant type: single nucleotide variant.
Coding change: c.1663C>T on transcript NM_017999.5 (MANE Select); coding-DNA position 1663, C replaced by T.
Protein change: p.Arg555Trp; replaces arginine 555 with tryptophan.
Molecular consequence: missense variant.
Genome position (GRCh38, 1-based): chr14:24,151,305, C>T. VCF-style: chr14-24151305-C-T. GRCh37 (hg19) VCF-style: chr14-24620514-C-T.
Other names: c.1663C>T (NM_017999.4); c.1210C>T, p.Arg404Trp (NM_001310332.2); short protein forms R404W, R555W.
Identifiers: ClinVar variation 1371466 (VCV001371466.9), dbSNP rs368164854, ClinGen allele CA7125842.